The following is an entry in ClinVar:

ClinVar aggregate classification (germline): Uncertain significance (1 of 4 stars; one submission).

gnomAD v4.1: 1 of 1,614,210 alleles (0.000062%); highest among the groups gnomAD compares: African/African-American, 0.0013%; no homozygotes.

Submission:

GeneDx
Classification: Uncertain significance. Last evaluated: 2026-03-30. Review status: criteria provided, single submitter. Criteria: GeneDx Variant Classification Process June 2021. Collection method: clinical testing. Allele origin: germline.
Comment: Not observed at significant frequency in large population cohorts (gnomAD); In silico analysis suggests that this missense variant does not alter protein structure/function; Has not been previously published as pathogenic or benign to our knowledge

NM_001375524.1(TRRAP):c.5275C>G (p.Leu1759Val)

Genes: TRRAP (transformation/transcription domain associated protein; plus strand), LOC126860121 (MED14-independent group 3 enhancer GRCh37_chr7:98547245-98548444; plus strand). Cytogenetic location: 7q22.1.
Variant type: single nucleotide variant.
Coding change: c.5275C>G on transcript NM_001375524.1 (MANE Select); coding-DNA position 5275, C replaced by G.
Protein change: p.Leu1759Val; replaces leucine 1759 with valine.
Molecular consequence: missense variant.
Genome position (GRCh38, 1-based): chr7:98,950,203, C>G. VCF-style: chr7-98950203-C-G. GRCh37 (hg19) VCF-style: chr7-98547826-C-G.
Other names: c.5254C>G, p.Leu1752Val (NM_001244580.2); c.5200C>G, p.Leu1734Val (NM_003496.4); short protein forms L1734V, L1752V, L1759V.
Identifiers: ClinVar variation 5017678 (VCV005017678.1).